The following is an entry in ClinVar:

NM_001282933.2(ZNF341):c.2134C>T (p.Arg712Cys)

Genes: ZNF341-AS1 (ZNF341 antisense RNA 1; minus strand), ZNF341 (zinc finger protein 341; plus strand). Cytogenetic location: 20q11.22.
Variant type: single nucleotide variant.
Coding change: c.2134C>T on transcript NM_001282933.2 (MANE Select); coding-DNA position 2134, C replaced by T.
Protein change: p.Arg712Cys; replaces arginine 712 with cysteine.
Molecular consequence: missense variant. On other transcripts: non-coding transcript variant (1).
Genome position (GRCh38, 1-based): chr20:33,791,086, C>T. VCF-style: chr20-33791086-C-T. GRCh37 (hg19) VCF-style: chr20-32378892-C-T.
Other names: c.1864C>T, p.Arg622Cys (NM_001282935.2); c.2113C>T, p.Arg705Cys (NM_032819.5); short protein forms R712C, R622C, R705C.
Identifiers: ClinVar variation 4700132 (VCV004700132.1).

ClinVar aggregate classification (germline): Uncertain significance (1 of 4 stars; one submission).

gnomAD v4.1: 7 of 1,613,126 alleles (0.00043%); highest among the groups gnomAD compares: Non-Finnish European, 0.00059%; no homozygotes.

Submission:

Labcorp Genetics (formerly Invitae), Labcorp
Classification: Uncertain significance. Last evaluated: 2026-01-20. Review status: criteria provided, single submitter. Criteria: Invitae Variant Classification Sherloc (09022015). Collection method: clinical testing. Allele origin: germline.
Comment: This sequence change replaces arginine, which is basic and polar, with cysteine, which is neutral and slightly polar, at codon 705 of the ZNF341 protein (p.Arg705Cys). This variant is present in population databases (no rsID available, gnomAD 0.0009%). This variant has not been reported in the literature in individuals affected with ZNF341-related conditions. An algorithm developed to predict the effect of missense changes on protein structure and function (PolyPhen-2) suggests that this variant is likely to be disruptive. In summary, the available evidence is currently insufficient to determine the role of this variant in disease. Therefore, it has been classified as a Variant of Uncertain Significance.